The following is an entry in ClinVar:

NM_015160.3(PMPCA):c.203A>G (p.Lys68Arg)

Gene: PMPCA (peptidase, mitochondrial processing subunit alpha; plus strand). Cytogenetic location: 9q34.3.
Variant type: single nucleotide variant.
Coding change: c.203A>G on transcript NM_015160.3 (MANE Select); coding-DNA position 203, A replaced by G.
Protein change: p.Lys68Arg; replaces lysine 68 with arginine.
Molecular consequence: missense variant. On other transcripts: 5 prime UTR variant (2).
Genome position (GRCh38, 1-based): chr9:136,412,128, A>G. VCF-style: chr9-136412128-A-G. GRCh37 (hg19) VCF-style: chr9-139306580-A-G.
Other names: c.-96A>G (NM_001282944.2, NM_001282946.2); short protein forms K68R.
Identifiers: ClinVar variation 2699371 (VCV002699371.3), dbSNP rs1835143289, ClinGen allele CA375551619.
Genomic context (GRCh38, chr9:136,412,128, plus strand): 5'-TACCTGGAGTACCCAAGCCTGTTTTTGCTACAGTTGATGGACAGGAAAAGTTTGAAACCA[A>G]AGTAACCACATTGGATAATGGGCTTCGCGTGGCATCTCAGAATAAGTTTGGACAGTTTTG-3'
Protein context (NP_055975.1, residues 58-78): TVDGQEKFET[Lys68Arg]VTTLDNGLRV

ClinVar aggregate classification (germline): Uncertain significance (1 of 4 stars; one submission).

Submission:

Labcorp Genetics (formerly Invitae), Labcorp
Classification: Uncertain significance. Last evaluated: 2024-01-06. Review status: criteria provided, single submitter. Criteria: Invitae Variant Classification Sherloc (09022015). Collection method: clinical testing. Allele origin: germline.
Comment: This sequence change replaces lysine, which is basic and polar, with arginine, which is basic and polar, at codon 68 of the PMPCA protein (p.Lys68Arg). This variant is not present in population databases (gnomAD no frequency). This variant has not been reported in the literature in individuals affected with PMPCA-related conditions. Advanced modeling of protein sequence and biophysical properties (such as structural, functional, and spatial information, amino acid conservation, physicochemical variation, residue mobility, and thermodynamic stability) performed at Invitae indicates that this missense variant is not expected to disrupt PMPCA protein function with a negative predictive value of 80%. In summary, the available evidence is currently insufficient to determine the role of this variant in disease. Therefore, it has been classified as a Variant of Uncertain Significance.